The following is an entry in ClinVar:

NM_001001563.5(TIMM50):c.259+6G>A

Gene: TIMM50 (translocase of inner mitochondrial membrane 50; plus strand). Cytogenetic location: 19q13.2.
Variant type: single nucleotide variant.
Coding change: c.259+6G>A on transcript NM_001001563.5 (MANE Select); 6 bases into the intron after coding-DNA position 259, G replaced by A.
Molecular consequence: intron variant.
Genome position (GRCh38, 1-based): chr19:39,482,039, G>A. VCF-style: chr19-39482039-G-A. GRCh37 (hg19) VCF-style: chr19-39972679-G-A.
Other names: c.-22+6G>A (NM_001329559.2).
Identifiers: ClinVar variation 1482095 (VCV001482095.1), dbSNP rs370038568, ClinGen allele CA9431712.
Genomic context (GRCh38, chr19:39,482,039, plus strand): 5'-TGGCTTGCTGGGCTGCTTGGAGCTGGTGGGACTGTGAGCGTCGTCTATATCTTTGGTGAG[G>A]GACATATCCCTGTCCCCCAGTTTTGTTCCTTGGCCTCCCTGGTCCACTGTGGAACCTCCC-3'

ClinVar aggregate classification (germline): Uncertain significance (1 of 4 stars; one submission).

Allele frequency attached by ClinVar (database versions not stated): gnomAD exomes below 0.00001 and 0.00002; ExAC 0.00002; TOPMed 0.00003; gnomAD 0.00004 and 0.00005; ESP Exome Variant Server 0.00015; 1000 Genomes Project 30x 0.00016; 1000 Genomes Project 0.00020.
gnomAD v4.1: 31 of 1,612,420 alleles (0.0019%); highest among the groups gnomAD compares: Middle Eastern, 0.017%; no homozygotes.

Submission:

Labcorp Genetics (formerly Invitae), Labcorp
Classification: Uncertain significance. Last evaluated: 2021-04-16. Review status: criteria provided, single submitter. Criteria: Invitae Variant Classification Sherloc (09022015). Collection method: clinical testing. Allele origin: germline.
Comment: This sequence change falls in intron 2 of the TIMM50 gene. It does not directly change the encoded amino acid sequence of the TIMM50 protein. It affects a nucleotide within the consensus splice site of the intron. This variant is present in population databases (rs370038568, ExAC 0.02%). This variant has not been reported in the literature in individuals with TIMM50-related conditions. Nucleotide substitutions within the consensus splice site are a relatively common cause of aberrant splicing (PMID: 17576681, 9536098). Algorithms developed to predict the effect of sequence changes on RNA splicing suggest that this variant is not likely to affect RNA splicing, but this prediction has not been confirmed by published transcriptional studies. In summary, the available evidence is currently insufficient to determine the role of this variant in disease. Therefore, it has been classified as a Variant of Uncertain Significance.

Literature cited by the submitters: PubMed 17576681; PubMed 9536098.